The following is an entry in ClinVar:

NM_003482.4(KMT2D):c.5371G>A (p.Ala1791Thr)

Gene: KMT2D (lysine methyltransferase 2D; minus strand). Cytogenetic location: 12q13.12.
Variant type: single nucleotide variant.
Coding change: c.5371G>A on transcript NM_003482.4 (MANE Select); coding-DNA position 5371, G replaced by A.
Protein change: p.Ala1791Thr; replaces alanine 1791 with threonine.
Molecular consequence: missense variant.
Genome position (GRCh38, 1-based): chr12:49,043,731, C>T on the plus strand (G>A on the coding strand, the complement: KMT2D is on the minus strand). VCF-style: chr12-49043731-C-T. GRCh37 (hg19) VCF-style: chr12-49437514-C-T.
Other names: short protein forms A1791T.
Identifiers: ClinVar variation 2011983 (VCV002011983.4), dbSNP rs2498415241, ClinGen allele CA384633525.
Genomic context (GRCh38, chr12:49,043,731, plus strand): 5'-CTCCATCTCCCTTGGCTTTTGGGGTCCCTAGTCCAAAGCTTGGCCGGCCCACCCCAACTG[C>T]AAAAAGGGCCTTACGGCTCAGGTCCAGCAGCTCCTTCCCAAAGAAGGCTTCCTGTGGGGC-3'
Protein context (NP_003473.3, residues 1781-1801): LLDLSRKALF[Ala1791Thr]VGVGRPSFGL

ClinVar aggregate classification (germline): Uncertain significance (1 of 4 stars; one submission).

Conditions:
Kabuki syndrome. Also called: Kabuki make-up syndrome; NIIKAWA-KUROKI SYNDROME. Identifiers: Orphanet 2322, MedGen C0796004, MONDO:0016512.

Submission:

Labcorp Genetics (formerly Invitae), Labcorp
Classification: Uncertain significance for Kabuki syndrome. Last evaluated: 2022-06-28. Review status: criteria provided, single submitter. Criteria: Invitae Variant Classification Sherloc (09022015). Collection method: clinical testing. Allele origin: germline.
Comment: In summary, the available evidence is currently insufficient to determine the role of this variant in disease. Therefore, it has been classified as a Variant of Uncertain Significance. Advanced modeling of protein sequence and biophysical properties (such as structural, functional, and spatial information, amino acid conservation, physicochemical variation, residue mobility, and thermodynamic stability) performed at Invitae indicates that this missense variant is not expected to disrupt KMT2D protein function. This variant has not been reported in the literature in individuals affected with KMT2D-related conditions. This variant is not present in population databases (gnomAD no frequency). This sequence change replaces alanine, which is neutral and non-polar, with threonine, which is neutral and polar, at codon 1791 of the KMT2D protein (p.Ala1791Thr).